The following is an entry in ClinVar:

NM_001281740.3(FHOD3):c.2798A>G (p.Asn933Ser)

Gene: FHOD3 (formin homology 2 domain containing 3; plus strand). Cytogenetic location: 18q12.2.
Variant type: single nucleotide variant.
Coding change: c.2798A>G on transcript NM_001281740.3 (MANE Select); coding-DNA position 2798, A replaced by G.
Protein change: p.Asn933Ser; replaces asparagine 933 with serine.
Molecular consequence: missense variant.
Genome position (GRCh38, 1-based): chr18:36,718,096, A>G. VCF-style: chr18-36718096-A-G. GRCh37 (hg19) VCF-style: chr18-34298059-A-G.
Other names: c.2222A>G, p.Asn741Ser (NM_001281739.3); c.2273A>G, p.Asn758Ser (NM_025135.5); c.2798A>G (NM_001281740.2); short protein forms N758S, N933S, N741S.
Identifiers: ClinVar variation 2381578 (VCV002381578.4), dbSNP rs370852733, ClinGen allele CA8941950.

ClinVar aggregate classification (germline): Conflicting classifications of pathogenicity. Review status: criteria provided, conflicting classifications (1 of 4 stars). 3 submissions from 3 submitters: Uncertain significance (1); Likely benign (2). Last evaluated 2026-03-18.

Conditions:
FHOD3-related disorder. Also called: FHOD3-related condition.
Inborn genetic diseases. Identifiers: MedGen C0950123, MeSH D030342.

Allele frequency attached by ClinVar (database versions not stated): gnomAD 0.00011; TOPMed 0.00012; ESP Exome Variant Server 0.00023; gnomAD exomes 0.00023; ExAC 0.00030.
gnomAD v4.1: 349 of 1,599,938 alleles (0.022%); highest among the groups gnomAD compares: South Asian, 0.091%; 1 homozygote.

Submissions (3):

PreventionGenetics, part of Exact Sciences
Classification: Likely benign for FHOD3-related condition. Last evaluated: 2026-03-18. Review status: criteria provided, single submitter. Criteria: ACMG Guidelines, 2015. Collection method: clinical testing. Allele origin: germline.
Comment: This variant is classified as likely benign based on ACMG/AMP sequence variant interpretation guidelines (Richards et al. 2015 PMID: 25741868, with internal and published modifications).

Blueprint Genetics
Classification: Likely benign. Last evaluated: 2023-12-19. Review status: criteria provided, single submitter. Criteria: ACMG Guidelines, 2015. Collection method: clinical testing. Allele origin: germline.

Ambry Genetics
Classification: Uncertain significance for Inborn genetic diseases. Last evaluated: 2021-08-02. Review status: criteria provided, single submitter. Criteria: Ambry Variant Classification Scheme 2023. Collection method: clinical testing. Allele origin: germline.